The following is an entry in ClinVar:

NM_005121.3(MED13):c.3583C>A (p.Gln1195Lys)

Gene: MED13 (mediator complex subunit 13; minus strand). Cytogenetic location: 17q23.2.
Variant type: single nucleotide variant.
Coding change: c.3583C>A on transcript NM_005121.3 (MANE Select); coding-DNA position 3583, C replaced by A.
Protein change: p.Gln1195Lys; replaces glutamine 1195 with lysine.
Molecular consequence: missense variant.
Genome position (GRCh38, 1-based): chr17:61,982,420, G>T on the plus strand (C>A on the coding strand, the complement: MED13 is on the minus strand). VCF-style: chr17-61982420-G-T. GRCh37 (hg19) VCF-style: chr17-60059781-G-T.
Other names: short protein forms Q1195K.
Identifiers: ClinVar variation 1805154 (VCV001805154.1), dbSNP rs2509276073, ClinGen allele CA400503186.

ClinVar aggregate classification (germline): Uncertain significance (1 of 4 stars; one submission).

Conditions:
Intellectual developmental disorder 61. Also called: INTELLECTUAL DEVELOPMENTAL DISORDER, AUTOSOMAL DOMINANT 61; MENTAL RETARDATION, AUTOSOMAL DOMINANT 61. Identifiers: MedGen C5231400, MONDO:0032485, OMIM 618009.

Submission:

Victorian Clinical Genetics Services, Murdoch Childrens Research Institute
Classification: Uncertain significance for Intellectual developmental disorder 61. Last evaluated: 2020-06-11. Review status: criteria provided, single submitter. Criteria: ACMG Guidelines, 2015. Collection method: clinical testing. Allele origin: germline. Inheritance: Autosomal dominant inheritance. Affected: yes.
Comment: Based on the classification scheme VCGS_Germline_v1.1.1, this variant is classified as 3B-VUS. Following criteria are met: 0105 - The mechanism of disease for this gene is not clearly established. (N) 0102 - Loss-of-function is a suspected mechanism of disease for this gene. (N) 0107 - This gene is known to be associated with autosomal dominant disease. (N) 0200 - Variant is predicted to result in a missense amino acid change from a glutamine to a lysine (exon 16). (N) 0251 - Variant is heterozygous. (N) 0301 - Variant is absent from gnomAD. (P) 0309 - An alternative amino acid change at the same position has been observed in gnomAD (3 heterozygotes, 0 homozygotes). (N) 0502 - Missense variant with conflicting in silico predictions and/or uninformative conservation. (N) 0604 - Variant is not located in an established domain, motif, hotspot or informative constraint region. (N) 0705 - No comparable variants have previous evidence for pathogenicity. (N) 0807 - Variant has not previously been reported in a clinical context. (N) 0905 - No segregation evidence has been identified for this variant. (N) 1007 - No published functional evidence has been identified for this variant. (N) 1208 - Inheritance information for this variant is not currently available. (N) Legend: (P) - Pathogenic, (N) - Neutral, (B) - Benign